The following is an entry in ClinVar:

NM_032808.7(LINGO1):c.295G>A (p.Glu99Lys)

Gene: LINGO1 (leucine rich repeat and Ig domain containing 1; minus strand). Cytogenetic location: 15q24.3.
Variant type: single nucleotide variant.
Coding change: c.295G>A on transcript NM_032808.7 (MANE Select); coding-DNA position 295, G replaced by A.
Protein change: p.Glu99Lys; replaces glutamic acid 99 with lysine.
Molecular consequence: missense variant.
Genome position (GRCh38, 1-based): chr15:77,615,612, C>T on the plus strand (G>A on the coding strand, the complement: LINGO1 is on the minus strand). VCF-style: chr15-77615612-C-T. GRCh37 (hg19) VCF-style: chr15-77907954-C-T.
Other names: c.277G>A, p.Glu93Lys (NM_001301186.2, NM_001301187.2, NM_001301189.2 and 8 more transcripts); short protein forms E93K, E99K.
Identifiers: ClinVar variation 1034164 (VCV001034164.2), dbSNP rs150289554, ClinGen allele CA7677992.

ClinVar aggregate classification (germline): Uncertain significance. Review status: criteria provided, multiple submitters, no conflicts (2 of 4 stars). 2 submissions from 2 submitters: Uncertain significance (2). Last evaluated 2024-12-18.

Conditions:
Intellectual developmental disorder, autosomal recessive 64. Also called: MENTAL RETARDATION, AUTOSOMAL RECESSIVE 64; Intellectual disability, autosomal recessive 64. Identifiers: MedGen C4748192, MONDO:0020846, OMIM 618103.

Allele frequency attached by ClinVar (database versions not stated): 1000 Genomes Project 0.00040; gnomAD exomes 0.00024 and 0.00035; gnomAD 0.00040 and 0.00042; 1000 Genomes Project 30x 0.00031; ExAC 0.00031; ESP Exome Variant Server 0.00032; TOPMed 0.00037.
gnomAD v4.1: 566 of 1,611,848 alleles (0.035%); highest among the groups gnomAD compares: Middle Eastern, 0.049%; no homozygotes.

Submissions (2):

Revvity Omics, Revvity
Classification: Uncertain significance for Intellectual developmental disorder, autosomal recessive 64. Last evaluated: 2024-12-18. Review status: criteria provided, single submitter. Criteria: ACMG Guidelines, 2015. Collection method: clinical testing. Allele origin: germline.

Baylor Genetics
Classification: Uncertain significance for Intellectual developmental disorder, autosomal recessive 64. Last evaluated: 2018-12-19. Review status: criteria provided, single submitter. Criteria: ACMG Guidelines, 2015. Collection method: clinical testing. Allele origin: maternal. Affected: yes.
Comment: This variant was determined to be of uncertain significance according to ACMG Guidelines, 2015 [PMID:25741868].